The following is an entry in ClinVar:

NM_001369.3(DNAH5):c.1475C>A (p.Thr492Lys)

Gene: DNAH5 (dynein axonemal heavy chain 5; minus strand). Cytogenetic location: 5p15.2.
Variant type: single nucleotide variant.
Coding change: c.1475C>A on transcript NM_001369.3 (MANE Select); coding-DNA position 1475, C replaced by A.
Protein change: p.Thr492Lys; replaces threonine 492 with lysine.
Molecular consequence: missense variant.
Genome position (GRCh38, 1-based): chr5:13,913,804, G>T on the plus strand (C>A on the coding strand, the complement: DNAH5 is on the minus strand). VCF-style: chr5-13913804-G-T. GRCh37 (hg19) VCF-style: chr5-13913913-G-T.
Other names: short protein forms T492K.
Identifiers: ClinVar variation 351210 (VCV000351210.22), dbSNP rs189145014, ClinGen allele CA3204844.

ClinVar aggregate classification (germline): Conflicting classifications of pathogenicity. Review status: criteria provided, conflicting classifications (1 of 4 stars). 4 submissions from 4 submitters: Uncertain significance (1); Likely benign (2). 1 of the submissions does not count toward it. Last evaluated 2026-01-12.

Conditions:
Primary ciliary dyskinesia. Also called: Ciliary dyskinesia. Identifiers: Orphanet 244, MedGen C0008780, MONDO:0016575, HP:0012265.
Primary ciliary dyskinesia 3. Identifiers: Orphanet 244, MedGen C1837618, MONDO:0012085, OMIM 608644.

Allele frequency attached by ClinVar (database versions not stated): TOPMed 0.00001; 1000 Genomes Project 0.00020; 1000 Genomes Project 30x 0.00031.
gnomAD v4.1: 70 of 1,613,584 alleles (0.0043%); highest among the groups gnomAD compares: South Asian, 0.072%; 1 homozygote.

Submissions (4):

Labcorp Genetics (formerly Invitae), Labcorp
Classification: Likely benign for Primary ciliary dyskinesia. Last evaluated: 2026-01-12. Review status: criteria provided, single submitter. Criteria: Invitae Variant Classification Sherloc (09022015). Collection method: clinical testing. Allele origin: germline.

CeGaT Center for Human Genetics Tuebingen
Classification: Likely benign. Last evaluated: 2025-04-01. Review status: criteria provided, single submitter. Criteria: CeGaT Center For Human Genetics Tuebingen Variant Classification Criteria Version 2. Collection method: clinical testing. Allele origin: germline. Affected: yes. Observed: 1 variant allele.
Comment: DNAH5: BP4

Illumina Laboratory Services, Illumina
Classification: Uncertain significance for Primary ciliary dyskinesia 3. Last evaluated: 2018-01-13. Review status: criteria provided, single submitter. Criteria: ICSL Variant Classification Criteria 13 December 2019. Collection method: clinical testing. Allele origin: germline.

Natera, Inc.
Classification: Uncertain significance for Primary ciliary dyskinesia. Last evaluated: 2019-10-28. Review status: no assertion criteria provided. Collection method: clinical testing. Allele origin: germline. Not counted in ClinVar's aggregate classification.